The following is an entry in ClinVar:

ClinVar aggregate classification (germline): Uncertain significance. Review status: criteria provided, multiple submitters, no conflicts (2 of 4 stars). 2 submissions from 2 submitters: Uncertain significance (2). Last evaluated 2025-09-26.

Conditions:
Inborn genetic diseases. Identifiers: MedGen C0950123, MeSH D030342.

gnomAD v4.1: 5 of 1,596,512 alleles (0.00031%); highest among the groups gnomAD compares: Middle Eastern, 0.033%; no homozygotes.

Submissions (2):

Ambry Genetics
Classification: Uncertain significance for Inborn genetic diseases. Last evaluated: 2025-09-26. Review status: criteria provided, single submitter. Criteria: Ambry Variant Classification Scheme 2023. Collection method: clinical testing. Allele origin: germline.

Women's Health and Genetics/Laboratory Corporation of America, LabCorp
Classification: Uncertain significance. Last evaluated: 2024-01-12. Review status: criteria provided, single submitter. Criteria: LabCorp Variant Classification Summary - May 2015. Collection method: clinical testing. Allele origin: germline.
Comment: Variant summary: COL4A4 c.953C>T (p.Ser318Phe) results in a non-conservative amino acid change in the encoded protein sequence. Four of five in-silico tools predict a benign effect of the variant on protein function. The variant allele was found at a frequency of 8.7e-06 in 229134 control chromosomes. The available data on variant occurrences in the general population are insufficient to allow any conclusion about variant significance. To our knowledge, no occurrence of c.953C>T in individuals affected with Alport Syndrome, Autosomal Recessive and no experimental evidence demonstrating its impact on protein function have been reported. No submitters have cited clinical-significance assessments for this variant to ClinVar. Based on the evidence outlined above, the variant was classified as uncertain significance.

NM_000092.5(COL4A4):c.953C>T (p.Ser318Phe)

Gene: COL4A4 (collagen type IV alpha 4 chain; minus strand). Cytogenetic location: 2q36.3.
Variant type: single nucleotide variant.
Coding change: c.953C>T on transcript NM_000092.5 (MANE Select); coding-DNA position 953, C replaced by T.
Protein change: p.Ser318Phe; replaces serine 318 with phenylalanine.
Molecular consequence: missense variant.
Genome position (GRCh38, 1-based): chr2:227,101,887, G>A on the plus strand (C>T on the coding strand, the complement: COL4A4 is on the minus strand). VCF-style: chr2-227101887-G-A. GRCh37 (hg19) VCF-style: chr2-227966603-G-A.
Other names: short protein forms S318F.
Identifiers: ClinVar variation 3063868 (VCV003063868.2), dbSNP rs1187623318, ClinGen allele CA350856277.
Genomic context (GRCh38, chr2:227,101,887, plus strand): 5'-GAAATGTATTTATTATCTCTATAATGAGGTACATTTACCTTTAATCCTGGAAAACCTGGA[G>A]ATCCATAGGAACCAGGATCCCCCTAATAAATTCACAAAAATCAGGATAAACAGAATTAAA-3'
Protein context (NP_000083.3, residues 308-328): GPRGDPGSYG[Ser318Phe]PGFPGLKGEL